The following is an entry in ClinVar:

ClinVar aggregate classification (germline): Uncertain significance (1 of 4 stars; one submission).

Conditions:
Idiopathic generalized epilepsy. Also called: EIG; Generalised epilepsy. Identifiers: MedGen C0270850, MONDO:0005579, OMIM 600669.

gnomAD v4.1: 2 of 1,030,652 alleles (0.00019%); highest among the groups gnomAD compares: East Asian, 0.0029%; no homozygotes.

Submission:

Labcorp Genetics (formerly Invitae), Labcorp
Classification: Uncertain significance for Idiopathic generalized epilepsy. Last evaluated: 2024-02-18. Review status: criteria provided, single submitter. Criteria: Invitae Variant Classification Sherloc (09022015). Collection method: clinical testing. Allele origin: germline.
Comment: This sequence change replaces proline, which is neutral and non-polar, with alanine, which is neutral and non-polar, at codon 12 of the RBFOX3 protein (p.Pro12Ala). This variant is not present in population databases (gnomAD no frequency). This variant has not been reported in the literature in individuals affected with RBFOX3-related conditions. Experimental studies and prediction algorithms are not available or were not evaluated, and the functional significance of this variant is currently unknown. In summary, the available evidence is currently insufficient to determine the role of this variant in disease. Therefore, it has been classified as a Variant of Uncertain Significance.

NM_001350451.2(RBFOX3):c.34C>G (p.Pro12Ala)

Gene: RBFOX3 (RNA binding fox-1 homolog 3; minus strand). Cytogenetic location: 17q25.3.
Variant type: single nucleotide variant.
Coding change: c.34C>G on transcript NM_001350451.2 (MANE Select); coding-DNA position 34, C replaced by G.
Protein change: p.Pro12Ala; replaces proline 12 with alanine.
Molecular consequence: missense variant.
Genome position (GRCh38, 1-based): chr17:79,115,682, G>C on the plus strand (C>G on the coding strand, the complement: RBFOX3 is on the minus strand). VCF-style: chr17-79115682-G-C. GRCh37 (hg19) VCF-style: chr17-77111764-G-C.
Other names: c.34C>G, p.Pro12Ala (NM_001082575.3, NM_001350453.2, NM_001385804.1 and 43 more transcripts); short protein forms P12A.
Identifiers: ClinVar variation 3708633 (VCV003708633.2).